The following is an entry in ClinVar:

NM_017947.4(MOCOS):c.1973T>C (p.Ile658Thr)

Gene: MOCOS (molybdenum cofactor sulfurase; plus strand). Cytogenetic location: 18q12.2.
Variant type: single nucleotide variant.
Coding change: c.1973T>C on transcript NM_017947.4 (MANE Select); coding-DNA position 1973, T replaced by C.
Protein change: p.Ile658Thr; replaces isoleucine 658 with threonine.
Molecular consequence: missense variant.
Genome position (GRCh38, 1-based): chr18:36,248,934, T>C. VCF-style: chr18-36248934-T-C. GRCh37 (hg19) VCF-style: chr18-33828897-T-C.
Other names: short protein forms I658T.
Identifiers: ClinVar variation 1988135 (VCV001988135.3), dbSNP rs775781288, ClinGen allele CA8940901.

ClinVar aggregate classification (germline): Uncertain significance. Review status: criteria provided, multiple submitters, no conflicts (2 of 4 stars). 3 submissions from 3 submitters: Uncertain significance (3). Last evaluated 2024-05-22.

Conditions:
Xanthinuria type II. Also called: Xanthine dehydrogenase and aldehyde oxidase combined deficiency of; XDH and AOX dual deficiency. Identifiers: Orphanet 3467, Orphanet 93602, MedGen C1863688, MONDO:0011346, OMIM 603592.

Allele frequency attached by ClinVar (database versions not stated): ExAC 0.00001; gnomAD exomes 0.00001; gnomAD 0.00002; TOPMed 0.00003.
gnomAD v4.1: 11 of 1,613,868 alleles (0.00068%); highest among the groups gnomAD compares: Admixed American, 0.018%; no homozygotes.

Submissions (3):

Fulgent Genetics
Classification: Uncertain significance for Xanthinuria type II. Last evaluated: 2024-05-22. Review status: criteria provided, single submitter. Criteria: ACMG Guidelines, 2015. Collection method: clinical testing. Allele origin: germline.

Labcorp Genetics (formerly Invitae), Labcorp
Classification: Uncertain significance for Xanthinuria type II. Last evaluated: 2022-07-16. Review status: criteria provided, single submitter. Criteria: Invitae Variant Classification Sherloc (09022015). Collection method: clinical testing. Allele origin: germline.
Comment: This sequence change replaces isoleucine, which is neutral and non-polar, with threonine, which is neutral and polar, at codon 658 of the MOCOS protein (p.Ile658Thr). This variant is present in population databases (rs775781288, gnomAD 0.03%). This variant has not been reported in the literature in individuals affected with MOCOS-related conditions. Algorithms developed to predict the effect of missense changes on protein structure and function are either unavailable or do not agree on the potential impact of this missense change (SIFT: "Deleterious"; PolyPhen-2: "Probably Damaging"; Align-GVGD: "Class C0"). In summary, the available evidence is currently insufficient to determine the role of this variant in disease. Therefore, it has been classified as a Variant of Uncertain Significance.

Ambry Genetics
Classification: Uncertain significance. Last evaluated: 2022-03-21. Review status: criteria provided, single submitter. Criteria: Ambry Variant Classification Scheme 2023. Collection method: clinical testing. Allele origin: germline.